The following is an entry in ClinVar:

NM_133625.6(SYN2):c.732C>T (p.Phe244=)

Gene: SYN2 (synapsin II; plus strand). Cytogenetic location: 3p25.2.
Variant type: single nucleotide variant.
Coding change: c.732C>T on transcript NM_133625.6 (MANE Select); coding-DNA position 732, C replaced by T.
Protein change: p.Phe244=; no amino-acid change (phenylalanine 244 retained).
Molecular consequence: synonymous variant.
Genome position (GRCh38, 1-based): chr3:12,151,284, C>T. VCF-style: chr3-12151284-C-T. GRCh37 (hg19) VCF-style: chr3-12192784-C-T.
Other names: c.732C>T, p.Phe244= (NM_003178.6).
Identifiers: ClinVar variation 5039850 (VCV005039850.1).
Genomic context (GRCh38, chr3:12,151,284, plus strand): 5'-TTTTCTTTTGCAGTTTGCCCAGCTGGTCGCTATCTATAAGACACTGGGAGGAGAAAAGTT[C>T]CCTCTCATTGAACAGACATACTACCCCAACCACAAAGAGATGGTAAGTGGCTCAGTGGGG-3'
Protein context (NP_598328.1, residues 234-254): AIYKTLGGEK[Phe244=]PLIEQTYYPN

ClinVar aggregate classification (germline): Likely benign (1 of 4 stars; one submission).

gnomAD v4.1: 45 of 1,613,470 alleles (0.0028%); highest among the groups gnomAD compares: Admixed American, 0.062%; no homozygotes.

Submission:

CeGaT Center for Human Genetics Tuebingen
Classification: Likely benign. Last evaluated: 2026-07-01. Review status: criteria provided, single submitter. Criteria: CeGaT Center For Human Genetics Tuebingen Variant Classification Criteria Version 2. Collection method: clinical testing. Allele origin: germline. Affected: yes. Observed: 1 variant allele.
Comment: SYN2: BP4, BP7